The following is an entry in ClinVar:

NM_001903.5(CTNNA1):c.468T>G (p.Val156=)

Gene: CTNNA1 (catenin alpha 1; plus strand). Cytogenetic location: 5q31.2.
Variant type: single nucleotide variant.
Coding change: c.468T>G on transcript NM_001903.5 (MANE Select); coding-DNA position 468, T replaced by G.
Protein change: p.Val156=; no amino-acid change (valine 156 retained).
Molecular consequence: synonymous variant.
Genome position (GRCh38, 1-based): chr5:138,810,204, T>G. VCF-style: chr5-138810204-T-G. GRCh37 (hg19) VCF-style: chr5-138145893-T-G.
Other names: c.468T>G, p.Val156= (NM_001290307.3, NM_001323982.2, NM_001323983.1 and 3 more transcripts); c.159T>G, p.Val53= (NM_001290309.3); c.99T>G, p.Val33= (NM_001290310.3).
Identifiers: ClinVar variation 3773410 (VCV003773410.2).

ClinVar aggregate classification (germline): Conflicting classifications of pathogenicity. Review status: criteria provided, conflicting classifications (1 of 4 stars). 2 submissions from 2 submitters: Uncertain significance (1); Likely benign (1). Last evaluated 2025-07-30.

Conditions:
Hereditary diffuse gastric adenocarcinoma (HDGC). Also called: DIFFUSE GASTRIC AND LOBULAR BREAST CANCER SYNDROME. Identifiers: Orphanet 26106, MedGen C1708349, MONDO:0007648, OMIM 137215.

Submissions (2):

Labcorp Genetics (formerly Invitae), Labcorp
Classification: Uncertain significance. Last evaluated: 2025-07-30. Review status: criteria provided, single submitter. Criteria: Invitae Variant Classification Sherloc (09022015). Collection method: clinical testing. Allele origin: germline.
Comment: This sequence change affects codon 156 of the CTNNA1 mRNA. It is a 'silent' change, meaning that it does not change the encoded amino acid sequence of the CTNNA1 protein. It affects a nucleotide within the consensus splice site. This variant is not present in population databases (gnomAD no frequency). This variant has not been reported in the literature in individuals affected with CTNNA1-related conditions. ClinVar contains an entry for this variant (Variation ID: 3773410). Algorithms developed to predict the effect of sequence changes on RNA splicing suggest that this variant is not likely to affect RNA splicing. In summary, the available evidence is currently insufficient to determine the role of this variant in disease. Therefore, it has been classified as a Variant of Uncertain Significance.

Myriad Genetics, Inc.
Classification: Likely benign for Hereditary diffuse gastric adenocarcinoma. Last evaluated: 2024-10-09. Review status: criteria provided, single submitter. Criteria: Myriad Autosomal Dominant, Autosomal Recessive and X-Linked Classification Criteria (2023). Collection method: clinical testing. Allele origin: unknown.
Comment: This variant is considered likely benign. This variant is a silent/synonymous amino acid change and it is not expected to impact splicing.